The following is an entry in ClinVar:

ClinVar aggregate classification (germline): Uncertain significance (1 of 4 stars; one submission).

Conditions:
Neuronal ceroid lipofuscinosis. Also called: Neuronal Ceroid Lipofuscinoses. Identifiers: Orphanet 216, Orphanet 79263, MedGen C0027877, MONDO:0016295. Disease mechanism: loss of function.

Allele frequency attached by ClinVar (database versions not stated): gnomAD exomes below 0.00001; TOPMed 0.00001.
gnomAD v4.1: 3 of 1,614,058 alleles (0.00019%); highest among the groups gnomAD compares: African/African-American, 0.0027%; no homozygotes.

Submission:

Labcorp Genetics (formerly Invitae), Labcorp
Classification: Uncertain significance for Neuronal ceroid lipofuscinosis. Last evaluated: 2022-03-14. Review status: criteria provided, single submitter. Criteria: Invitae Variant Classification Sherloc (09022015). Collection method: clinical testing. Allele origin: germline.
Comment: This sequence change replaces asparagine, which is neutral and polar, with serine, which is neutral and polar, at codon 2 of the CLN8 protein (p.Asn2Ser). This variant is present in population databases (no rsID available, gnomAD 0.007%). This variant has not been reported in the literature in individuals affected with CLN8-related conditions. Advanced modeling of protein sequence and biophysical properties (such as structural, functional, and spatial information, amino acid conservation, physicochemical variation, residue mobility, and thermodynamic stability) performed at Invitae indicates that this missense variant is not expected to disrupt CLN8 protein function. In summary, the available evidence is currently insufficient to determine the role of this variant in disease. Therefore, it has been classified as a Variant of Uncertain Significance.

NM_018941.4(CLN8):c.5A>G (p.Asn2Ser)

Gene: CLN8 (CLN8 transmembrane ER and ERGIC protein; plus strand). Cytogenetic location: 8p23.3.
Variant type: single nucleotide variant.
Coding change: c.5A>G on transcript NM_018941.4 (MANE Select); coding-DNA position 5, A replaced by G.
Protein change: p.Asn2Ser; replaces asparagine 2 with serine.
Molecular consequence: missense variant.
Genome position (GRCh38, 1-based): chr8:1,771,059, A>G. VCF-style: chr8-1771059-A-G. GRCh37 (hg19) VCF-style: chr8-1719225-A-G.
Other names: short protein forms N2S.
Identifiers: ClinVar variation 2103550 (VCV002103550.1), dbSNP rs1269674233, ClinGen allele CA369952691.